The following is an entry in ClinVar:

NM_001367949.2(FAT3):c.7125C>T (p.Ser2375=)

Gene: FAT3 (FAT atypical cadherin 3; plus strand). Cytogenetic location: 11q14.3.
Variant type: single nucleotide variant.
Coding change: c.7125C>T on transcript NM_001367949.2 (MANE Select); coding-DNA position 7125, C replaced by T.
Protein change: p.Ser2375=; no amino-acid change (serine 2375 retained).
Molecular consequence: synonymous variant.
Genome position (GRCh38, 1-based): chr11:92,800,138, C>T. VCF-style: chr11-92800138-C-T. GRCh37 (hg19) VCF-style: chr11-92533304-C-T.
Other names: c.7125C>T, p.Ser2375= (NM_001008781.3).
Identifiers: ClinVar variation 776645 (VCV000776645.7), dbSNP rs114735511, ClinGen allele CA6227398.
Genomic context (GRCh38, chr11:92,800,138, plus strand): 5'-GTTAGTACAACACTGCACTTTGAAAGTCAGATCAATAGATAGTGGCTTCCCATCACTGAG[C>T]AGTGAGGTTCTCGTTCATATCTACATCTCTGATGTAAATGACAACCCTCCAGTTTTTAAT-3'
Protein context (NP_001354878.1, residues 2365-2385): RSIDSGFPSL[Ser2375=]SEVLVHIYIS

ClinVar aggregate classification (germline): Benign. Review status: criteria provided, multiple submitters, no conflicts (2 of 4 stars). 3 submissions from 3 submitters: Benign (2). 1 of the submissions does not count toward it. Last evaluated 2019-12-31.

Conditions:
FAT3-related disorder. Also called: FAT3-related condition.

Allele frequency attached by ClinVar (database versions not stated): gnomAD exomes 0.00065 and 0.00176; ExAC 0.00205; gnomAD 0.00632 and 0.00678; ESP Exome Variant Server 0.00653; 1000 Genomes Project 30x 0.00656; 1000 Genomes Project 0.00679; TOPMed 0.00768.
gnomAD v4.1: 1,952 of 1,613,920 alleles (0.12%); highest among the groups gnomAD compares: African/African-American, 2.2%; 27 homozygotes.

Submissions (3):

Labcorp Genetics (formerly Invitae), Labcorp
Classification: Benign. Last evaluated: 2019-12-31. Review status: criteria provided, single submitter. Criteria: Invitae Variant Classification Sherloc (09022015). Collection method: clinical testing. Allele origin: germline.

Breakthrough Genomics
Classification: Benign. Review status: criteria provided, single submitter. Criteria: ACMG Guidelines, 2015. Collection method: not provided. Allele origin: germline. Inheritance: Unknown mechanism. Affected: yes.

PreventionGenetics, part of Exact Sciences
Classification: Benign for FAT3-related condition. Last evaluated: 2019-03-26. Review status: no assertion criteria provided. Collection method: clinical testing. Allele origin: germline. Not counted in ClinVar's aggregate classification.
Comment: This variant is classified as benign based on ACMG/AMP sequence variant interpretation guidelines (Richards et al. 2015 PMID: 25741868, with internal and published modifications).